The following is an entry in ClinVar:

NM_020822.3(KCNT1):c.473C>T (p.Ser158Leu)

Gene: KCNT1 (potassium sodium-activated channel subfamily T member 1; plus strand). Cytogenetic location: 9q34.3.
Variant type: single nucleotide variant.
Coding change: c.473C>T on transcript NM_020822.3 (MANE Select); coding-DNA position 473, C replaced by T.
Protein change: p.Ser158Leu; replaces serine 158 with leucine.
Molecular consequence: missense variant.
Genome position (GRCh38, 1-based): chr9:135,753,975, C>T. VCF-style: chr9-135753975-C-T. GRCh37 (hg19) VCF-style: chr9-138645821-C-T.
Other names: c.329C>T, p.Ser110Leu (NM_001272003.2); short protein forms S110L, S158L.
Identifiers: ClinVar variation 1411338 (VCV001411338.8), dbSNP rs751075368, ClinGen allele CA5326449.

ClinVar aggregate classification (germline): Uncertain significance (1 of 4 stars; one submission).

Conditions:
Developmental and epileptic encephalopathy, 14 (DEE14). Also called: Early infantile epileptic encephalopathy 14. Identifiers: Orphanet 293181, MedGen C3554195, MONDO:0013989, OMIM 614959.
Autosomal dominant nocturnal frontal lobe epilepsy 5. Also called: KCNT1-Related Epilepsy; CILIARY DYSKINESIA, PRIMARY, 28, WITH SITUS INVERSUS; Epilepsy, nocturnal frontal lobe, 5; CILIARY DYSKINESIA, PRIMARY, 28, WITHOUT SITUS INVERSUS. Identifiers: Orphanet 98784, MedGen C3554306, MONDO:0014002, OMIM 615005.

Allele frequency attached by ClinVar (database versions not stated): ExAC 0.00001; gnomAD 0.00001; gnomAD exomes 0.00001; TOPMed 0.00002.

Submission:

Labcorp Genetics (formerly Invitae), Labcorp
Classification: Uncertain significance for Autosomal dominant nocturnal frontal lobe epilepsy 5; Developmental and epileptic encephalopathy, 14. Last evaluated: 2021-04-08. Review status: criteria provided, single submitter. Criteria: Invitae Variant Classification Sherloc (09022015). Collection method: clinical testing. Allele origin: germline.
Comment: In summary, the available evidence is currently insufficient to determine the role of this variant in disease. Therefore, it has been classified as a Variant of Uncertain Significance. Advanced modeling of protein sequence and biophysical properties (such as structural, functional, and spatial information, amino acid conservation, physicochemical variation, residue mobility, and thermodynamic stability) performed at Invitae indicates that this missense variant is not expected to disrupt KCNT1 protein function. This variant has not been reported in the literature in individuals with KCNT1-related conditions. This variant is present in population databases (rs751075368, ExAC 0.002%). This sequence change replaces serine with leucine at codon 158 of the KCNT1 protein (p.Ser158Leu). The serine residue is weakly conserved and there is a large physicochemical difference between serine and leucine.